The following is an entry in ClinVar:

NM_006947.4(SRP72):c.1774G>A (p.Gly592Ser)

Gene: SRP72 (signal recognition particle 72; plus strand). Cytogenetic location: 4q12.
Variant type: single nucleotide variant.
Coding change: c.1774G>A on transcript NM_006947.4 (MANE Select); coding-DNA position 1774, G replaced by A.
Protein change: p.Gly592Ser; replaces glycine 592 with serine.
Molecular consequence: missense variant. On other transcripts: non-coding transcript variant (1).
Genome position (GRCh38, 1-based): chr4:56,500,631, G>A. VCF-style: chr4-56500631-G-A. GRCh37 (hg19) VCF-style: chr4-57366797-G-A.
Other names: c.1591G>A, p.Gly531Ser (NM_001267722.2); short protein forms G592S, G531S.
Identifiers: ClinVar variation 4589637 (VCV004589637.1).
Genomic context (GRCh38, chr4:56,500,631, plus strand): 5'-CCAGATCCAGAAAGATGGCTGCCAATGCGAGAACGTTCTTACTACCGGGGAAGAAAGAAG[G>A]GTAAAAAGAAGGATCAGATTGGAAAAGGGACCCAGGGAGCAACTGCAGGAGCTTCATCTG-3'
Protein context (NP_008878.3, residues 582-602): ERSYYRGRKK[Gly592Ser]KKKDQIGKGT

ClinVar aggregate classification (germline): Uncertain significance (1 of 4 stars; one submission).

Submission:

Ambry Genetics
Classification: Uncertain significance. Last evaluated: 2025-11-30. Review status: criteria provided, single submitter. Criteria: Ambry Variant Classification Scheme 2023. Collection method: clinical testing. Allele origin: germline.
Comment: The p.G592S variant (also known as c.1774G>A), located in coding exon 18 of the SRP72 gene, results from a G to A substitution at nucleotide position 1774. The glycine at codon 592 is replaced by serine, an amino acid with similar properties. This amino acid position is conserved. In addition, the in silico prediction for this alteration is inconclusive. Based on the available evidence, the clinical significance of this variant remains unclear.